The following is an entry in ClinVar:

NM_033637.4(BTRC):c.687C>T (p.Ile229=)

Gene: BTRC (beta-transducin repeat containing E3 ubiquitin protein ligase; plus strand). Cytogenetic location: 10q24.32.
Variant type: single nucleotide variant.
Coding change: c.687C>T on transcript NM_033637.4 (MANE Select); coding-DNA position 687, C replaced by T.
Protein change: p.Ile229=; no amino-acid change (isoleucine 229 retained).
Molecular consequence: synonymous variant.
Genome position (GRCh38, 1-based): chr10:101,526,143, C>T. VCF-style: chr10-101526143-C-T. GRCh37 (hg19) VCF-style: chr10-103285900-C-T.
Other names: c.687C>T (NM_033637.3); c.609C>T, p.Ile203= (NM_001256856.2); c.579C>T, p.Ile193= (NM_003939.5).
Identifiers: ClinVar variation 1658891 (VCV001658891.11), dbSNP rs17767748, ClinGen allele CA5656020.

ClinVar aggregate classification (germline): Benign. Review status: criteria provided, multiple submitters, no conflicts (2 of 4 stars). 3 submissions from 3 submitters: Benign (2). 1 of the submissions does not count toward it. Last evaluated 2026-01-27.

Conditions:
BTRC-related disorder. Also called: BTRC-related condition.

Allele frequency attached by ClinVar (database versions not stated): 1000 Genomes Project 0.04553; gnomAD exomes 0.05662; gnomAD 0.06844 and 0.06609; TOPMed 0.06598; 1000 Genomes Project 30x 0.04731; ExAC 0.05801; ESP Exome Variant Server 0.07274.
gnomAD v4.1: 113,470 of 1,613,960 alleles (7%); highest among the groups gnomAD compares: Non-Finnish European, 7.8%; 4,238 homozygotes.

Submissions (3):

Labcorp Genetics (formerly Invitae), Labcorp
Classification: Benign. Last evaluated: 2026-01-27. Review status: criteria provided, single submitter. Criteria: Invitae Variant Classification Sherloc (09022015). Collection method: clinical testing. Allele origin: germline.

Breakthrough Genomics
Classification: Benign. Review status: criteria provided, single submitter. Criteria: ACMG Guidelines, 2015. Collection method: not provided. Allele origin: germline. Inheritance: Unknown mechanism. Affected: yes.

PreventionGenetics, part of Exact Sciences
Classification: Benign for BTRC-related condition. Last evaluated: 2020-02-05. Review status: no assertion criteria provided. Collection method: clinical testing. Allele origin: germline. Not counted in ClinVar's aggregate classification.
Comment: This variant is classified as benign based on ACMG/AMP sequence variant interpretation guidelines (Richards et al. 2015 PMID: 25741868, with internal and published modifications).